The following is an entry in ClinVar:

NM_000260.4(MYO7A):c.5903A>G (p.His1968Arg)

Gene: MYO7A (myosin VIIA; plus strand). Cytogenetic location: 11q13.5.
Variant type: single nucleotide variant.
Coding change: c.5903A>G on transcript NM_000260.4 (MANE Select); coding-DNA position 5903, A replaced by G.
Protein change: p.His1968Arg; replaces histidine 1968 with arginine.
Molecular consequence: missense variant.
Genome position (GRCh38, 1-based): chr11:77,208,476, A>G. VCF-style: chr11-77208476-A-G. GRCh37 (hg19) VCF-style: chr11-76919521-A-G.
Other names: c.5789A>G, p.His1930Arg (NM_001127180.2); c.5756A>G, p.His1919Arg (NM_001369365.1); short protein forms H1968R, H1919R, H1930R.
Identifiers: ClinVar variation 3668017 (VCV003668017.2).

ClinVar aggregate classification (germline): Uncertain significance (1 of 4 stars; one submission).

gnomAD v4.1: 2 of 1,613,784 alleles (0.00012%); highest among the groups gnomAD compares: Non-Finnish European, 0.00017%; no homozygotes.

Submission:

Labcorp Genetics (formerly Invitae), Labcorp
Classification: Uncertain significance. Last evaluated: 2024-03-20. Review status: criteria provided, single submitter. Criteria: Invitae Variant Classification Sherloc (09022015). Collection method: clinical testing. Allele origin: germline.
Comment: This sequence change replaces histidine, which is basic and polar, with arginine, which is basic and polar, at codon 1968 of the MYO7A protein (p.His1968Arg). This variant is present in population databases (rs758479370, gnomAD 0.0009%). This variant has not been reported in the literature in individuals affected with MYO7A-related conditions. Advanced modeling of protein sequence and biophysical properties (such as structural, functional, and spatial information, amino acid conservation, physicochemical variation, residue mobility, and thermodynamic stability) performed at Invitae indicates that this missense variant is not expected to disrupt MYO7A protein function with a negative predictive value of 95%. In summary, the available evidence is currently insufficient to determine the role of this variant in disease. Therefore, it has been classified as a Variant of Uncertain Significance.